The following is an entry in ClinVar:

NM_000188.3(HK1):c.1256C>T (p.Thr419Met)

Gene: HK1 (hexokinase 1; plus strand). Cytogenetic location: 10q22.1.
Variant type: single nucleotide variant.
Coding change: c.1256C>T on transcript NM_000188.3 (MANE Select); coding-DNA position 1256, C replaced by T.
Protein change: p.Thr419Met; replaces threonine 419 with methionine.
Molecular consequence: missense variant.
Genome position (GRCh38, 1-based): chr10:69,380,086, C>T. VCF-style: chr10-69380086-C-T. GRCh37 (hg19) VCF-style: chr10-71139842-C-T.
Other names: c.1268C>T, p.Thr423Met (NM_001322364.2, NM_001358263.1, NM_033497.3 and 1 more transcripts); c.1361C>T, p.Thr454Met (NM_001322365.2); c.1172C>T, p.Thr391Met (NM_001322366.1); c.1160C>T, p.Thr387Met (NM_001322367.1); c.1253C>T, p.Thr418Met (NM_033496.3); c.1220C>T, p.Thr407Met (NM_033500.2); c.1256C>T (NM_000188.2); short protein forms T387M, T391M, T407M, T418M, T419M, T423M, T454M.
Identifiers: ClinVar variation 1015613 (VCV001015613.11), dbSNP rs749146198, ClinGen allele CA5532542.

ClinVar aggregate classification (germline): Uncertain significance. Review status: criteria provided, multiple submitters, no conflicts (2 of 4 stars). 4 submissions from 4 submitters: Uncertain significance (4). Last evaluated 2025-07-07.

Conditions:
HK1-related disorder. Also called: HK1-related condition; HK1-related disorders.
Inborn genetic diseases. Identifiers: MedGen C0950123, MeSH D030342.

Allele frequency attached by ClinVar (database versions not stated): gnomAD 0.00001; gnomAD exomes 0.00001 and 0.00002; TOPMed 0.00001; ExAC 0.00002.
gnomAD v4.1: 13 of 1,613,166 alleles (0.00081%); highest among the groups gnomAD compares: African/African-American, 0.004%; no homozygotes.

Submissions (4):

PreventionGenetics, part of Exact Sciences
Classification: Uncertain significance for HK1-related condition. Last evaluated: 2025-07-07. Review status: criteria provided, single submitter. Criteria: ACMG Guidelines, 2015. Collection method: clinical testing. Allele origin: germline.
Comment: The HK1 c.1256C>T variant is predicted to result in the amino acid substitution p.Thr419Met. This variant has been reported as a de novo variant in at least one individual in developmental disorder cohorts (supplementary table 1, Kaplanis et al. 2020. PubMed ID: 33057194; supplementary data 3, Zhou et al. 2022. PubMed ID: 35982159). This variant is reported in 0.012% of alleles in individuals of African descent in gnomAD. At this time, the clinical significance of this variant is uncertain due to the absence of conclusive functional and genetic evidence.

Ambry Genetics
Classification: Uncertain significance for Inborn genetic diseases. Last evaluated: 2024-08-19. Review status: criteria provided, single submitter. Criteria: Ambry Variant Classification Scheme 2023. Collection method: clinical testing. Allele origin: germline.

Revvity Omics, Revvity
Classification: Uncertain significance. Last evaluated: 2024-03-12. Review status: criteria provided, single submitter. Criteria: ACMG Guidelines, 2015. Collection method: clinical testing. Allele origin: germline.

Labcorp Genetics (formerly Invitae), Labcorp
Classification: Uncertain significance. Last evaluated: 2024-03-11. Review status: criteria provided, single submitter. Criteria: Invitae Variant Classification Sherloc (09022015). Collection method: clinical testing. Allele origin: germline.
Comment: This sequence change replaces threonine, which is neutral and polar, with methionine, which is neutral and non-polar, at codon 419 of the HK1 protein (p.Thr419Met). This variant is present in population databases (rs749146198, gnomAD 0.01%). This variant has not been reported in the literature in individuals affected with HK1-related conditions. ClinVar contains an entry for this variant (Variation ID: 1015613). Advanced modeling of protein sequence and biophysical properties (such as structural, functional, and spatial information, amino acid conservation, physicochemical variation, residue mobility, and thermodynamic stability) performed at Invitae indicates that this missense variant is not expected to disrupt HK1 protein function with a negative predictive value of 80%. In summary, the available evidence is currently insufficient to determine the role of this variant in disease. Therefore, it has been classified as a Variant of Uncertain Significance.